The following is an entry in ClinVar:

ClinVar aggregate classification (germline): Uncertain significance (1 of 4 stars; one submission).

Submission:

Ambry Genetics
Classification: Uncertain significance. Last evaluated: 2022-03-14. Review status: criteria provided, single submitter. Criteria: Ambry Variant Classification Scheme 2023. Collection method: clinical testing. Allele origin: germline.
Comment: The p.P3491L variant (also known as c.10472C>T), located in coding exon 74 of the PRKDC gene, results from a C to T substitution at nucleotide position 10472. The proline at codon 3491 is replaced by leucine, an amino acid with similar properties. This amino acid position is conserved. Since supporting evidence is limited at this time, the clinical significance of this alteration remains unclear.

NM_006904.7(PRKDC):c.10472C>T (p.Pro3491Leu)

Gene: PRKDC (protein kinase, DNA-activated, catalytic subunit; minus strand). Cytogenetic location: 8q11.21.
Variant type: single nucleotide variant.
Coding change: c.10472C>T on transcript NM_006904.7 (MANE Select); coding-DNA position 10472, C replaced by T.
Protein change: p.Pro3491Leu; replaces proline 3491 with leucine.
Molecular consequence: missense variant.
Genome position (GRCh38, 1-based): chr8:47,794,488, G>A on the plus strand (C>T on the coding strand, the complement: PRKDC is on the minus strand). VCF-style: chr8-47794488-G-A. GRCh37 (hg19) VCF-style: chr8-48707049-G-A.
Other names: c.10472C>T, p.Pro3491Leu (NM_001081640.2); short protein forms P3491L.
Identifiers: ClinVar variation 1775602 (VCV001775602.2), dbSNP rs2551862040, ClinGen allele CA371134397.